The following is an entry in ClinVar:

ClinVar aggregate classification (germline): Benign/Likely benign. Review status: criteria provided, multiple submitters, no conflicts (2 of 4 stars). 2 submissions from 2 submitters: Benign (1); Likely benign (1). Last evaluated 2025-10-02.

Conditions:
PHIP-related disorder. Also called: PHIP-related condition; PHIP-related disorders.

Allele frequency attached by ClinVar (database versions not stated): gnomAD 0.00001; gnomAD exomes 0.00001; ExAC 0.00006; ESP Exome Variant Server 0.00008.
gnomAD v4.1: 19 of 1,610,858 alleles (0.0012%); highest among the groups gnomAD compares: Middle Eastern, 0.033%; no homozygotes.

Submissions (2):

Labcorp Genetics (formerly Invitae), Labcorp
Classification: Benign. Last evaluated: 2025-10-02. Review status: criteria provided, single submitter. Criteria: Invitae Variant Classification Sherloc (09022015). Collection method: clinical testing. Allele origin: germline.

PreventionGenetics, part of Exact Sciences
Classification: Likely benign for PHIP-related condition. Last evaluated: 2025-08-06. Review status: criteria provided, single submitter. Criteria: ACMG Guidelines, 2015. Collection method: clinical testing. Allele origin: germline.
Comment: This variant is classified as likely benign based on ACMG/AMP sequence variant interpretation guidelines (Richards et al. 2015 PMID: 25741868, with internal and published modifications).

NM_017934.7(PHIP):c.1470C>T (p.Asn490=)

Gene: PHIP (PHIP subunit of CUL4-Ring ligase complex; minus strand). Cytogenetic location: 6q14.1.
Variant type: single nucleotide variant.
Coding change: c.1470C>T on transcript NM_017934.7 (MANE Select); coding-DNA position 1470, C replaced by T.
Protein change: p.Asn490=; no amino-acid change (asparagine 490 retained).
Molecular consequence: synonymous variant.
Genome position (GRCh38, 1-based): chr6:79,015,136, G>A on the plus strand (C>T on the coding strand, the complement: PHIP is on the minus strand). VCF-style: chr6-79015136-G-A. GRCh37 (hg19) VCF-style: chr6-79724853-G-A.
Other names: c.1470C>T (NM_017934.6).
Identifiers: ClinVar variation 2140835 (VCV002140835.5), dbSNP rs375350790, ClinGen allele CA3900154.